The following is an entry in ClinVar:

NM_001375765.1(GIGYF1):c.655_676delinsTCGCC (p.Pro219fs)

Gene: GIGYF1 (GRB10 interacting GYF protein 1; minus strand). Cytogenetic location: 7q22.1.
Variant type: Indel.
Coding change: c.655_676delinsTCGCC on transcript NM_001375765.1 (MANE Select); coding-DNA positions 655 to 676, CCCCGGCGAGACGGCGACCGCT replaced by TCGCC.
Protein change: p.Pro219fs; shifts the reading frame from proline 219.
Molecular consequence: frameshift variant. On other transcripts: non-coding transcript variant (1).
Genome position (GRCh38, 1-based): chr7:100,686,667-100,686,688, AGCGGTCGCCGTCTCGCCGGGG replaced by GGCGA on the plus strand (CCCCGGCGAGACGGCGACCGCT replaced by TCGCC on the coding strand, the reverse complement: GIGYF1 is on the minus strand). VCF-style: chr7-100686667-AGCGGTCGCCGTCTCGCCGGGG-GGCGA. GRCh37 (hg19) VCF-style: chr7-100284290-AGCGGTCGCCGTCTCGCCGGGG-GGCGA.
Other names: NM_022574.4:c.655_676delinsTCGCC; c.655_676delinsTCGCC, p.Pro219fs (NM_001375759.1, NM_001375760.1, NM_001375761.1 and 6 more transcripts); short protein forms P219fs.
Identifiers: ClinVar variation 4993160 (VCV004993160.1).

ClinVar aggregate classification (germline): Likely pathogenic (1 of 4 stars; one submission).

Conditions:
GIGYF1-related disorder. Also called: GIGYF1-related condition.

Submission:

PreventionGenetics, part of Exact Sciences
Classification: Likely pathogenic for GIGYF1-related condition. Last evaluated: 2026-07-24. Review status: criteria provided, single submitter. Criteria: ACMG Guidelines, 2015. Collection method: clinical testing. Allele origin: germline.
Comment: The GIGYF1 c.655_676delinsTCGCC variant is predicted to result in a frameshift and premature protein termination (p.Pro219Serfs*8). To our knowledge, this variant has not been reported in the literature or in a large population database (gnomAD), indicating this variant is rare. Frameshift variants in GIGYF1 are expected to be pathogenic. This variant is interpreted as likely pathogenic.